The following is an entry in ClinVar:

NM_001009944.3(PKD1):c.12445-18C>T

Genes: MIR1225 (microRNA 1225; minus strand), PKD1 (polycystin 1, transient receptor potential channel interacting; minus strand). Cytogenetic location: 16p13.3.
Variant type: single nucleotide variant.
Coding change: c.12445-18C>T on transcript NM_001009944.3 (MANE Select); 18 bases into the intron before coding-DNA position 12445, C replaced by T.
Molecular consequence: intron variant. On other transcripts: non-coding transcript variant (1).
Genome position (GRCh38, 1-based): chr16:2,090,212, G>A on the plus strand (C>T on the coding strand, the complement: PKD1 is on the minus strand). VCF-style: chr16-2090212-G-A. GRCh37 (hg19) VCF-style: chr16-2140213-G-A.
Other names: c.12442-18C>T (NM_000296.4).
Identifiers: ClinVar variation 3049740 (VCV003049740.2), dbSNP rs752457130, ClinGen allele CA7828594.
Genomic context (GRCh38, chr16:2,090,212, plus strand): 5'-AGGGCAGCGGCTCCATCCCTTCAAAGCGGACTTTGTGGCGGAACTGGGGGCGGCACAGGG[G>A]CTCAGTCAGTCCGGCTGCACCCTGGGCAGAGCCCAGGGCGTGTCCCTCTCCCCCCCACTG-3'

ClinVar aggregate classification (germline): Likely benign (0 of 4 stars; one submission).

Conditions:
PKD1-related disorder. Also called: PKD1-related condition.

Allele frequency attached by ClinVar (database versions not stated): gnomAD 0.00001; TOPMed 0.00001.
gnomAD v4.1: 31 of 1,608,102 alleles (0.0019%); highest among the groups gnomAD compares: Non-Finnish European, 0.0025%; no homozygotes.

Submission:

PreventionGenetics, part of Exact Sciences
Classification: Likely benign for PKD1-related condition. Last evaluated: 2023-08-14. Review status: no assertion criteria provided. Collection method: clinical testing. Allele origin: germline.
Comment: This variant is classified as likely benign based on ACMG/AMP sequence variant interpretation guidelines (Richards et al. 2015 PMID: 25741868, with internal and published modifications).